The following is an entry in ClinVar:

ClinVar aggregate classification (germline): Conflicting classifications of pathogenicity. Review status: criteria provided, conflicting classifications (1 of 4 stars). 2 submissions from 1 submitter: Uncertain significance (1); Benign (1). Last evaluated 2018-01-13.

Conditions:
Metaphyseal anadysplasia. Also called: Early-onset regressive form of metaphyseal dysplasia. Identifiers: Orphanet 1040, MedGen C0432226, MONDO:0015177.
Spondyloepimetaphyseal dysplasia, Missouri type. Identifiers: Orphanet 1040, Orphanet 93356, MedGen C1865832, MONDO:0011198, OMIM 602111.

Allele frequency attached by ClinVar (database versions not stated): ExAC 0.00006; gnomAD exomes 0.00009 and 0.00027; gnomAD 0.00003 and 0.00004; TOPMed 0.00005; 1000 Genomes Project 30x 0.00016; 1000 Genomes Project 0.00020.

Submissions (2):

Illumina Laboratory Services, Illumina
Classification: Uncertain significance for Spondyloepimetaphyseal dysplasia, Missouri type. Last evaluated: 2018-01-13. Review status: criteria provided, single submitter. Criteria: ICSL Variant Classification Criteria 13 December 2019. Collection method: clinical testing. Allele origin: germline.

Illumina Laboratory Services, Illumina
Classification: Benign for Metaphyseal anadysplasia. Last evaluated: 2018-01-13. Review status: criteria provided, single submitter. Criteria: ICSL Variant Classification Criteria 13 December 2019. Collection method: clinical testing. Allele origin: germline.
Comment: This variant was observed in the ICSL laboratory as part of a predisposition screen in an ostensibly healthy population. It had not been previously curated by ICSL or reported in the Human Gene Mutation Database (HGMD: prior to June 1st, 2018), and was therefore a candidate for classification through an automated scoring system. Utilizing variant allele frequency, disease prevalence and penetrance estimates, and inheritance mode, an automated score was calculated to assess if this variant is too frequent to cause the disease. Based on the score and internal cut-off values, a variant classified as benign is not then subjected to further curation. The score for this variant resulted in a classification of benign for this disease.

NM_002427.4(MMP13):c.*156A>G

Gene: MMP13 (matrix metallopeptidase 13; minus strand). Cytogenetic location: 11q22.2.
Variant type: single nucleotide variant.
Coding change: c.*156A>G on transcript NM_002427.4 (MANE Select); 156 bases downstream of the stop codon, A replaced by G.
Molecular consequence: 3 prime UTR variant.
Genome position (GRCh38, 1-based): chr11:102,944,110, T>C on the plus strand (A>G on the coding strand, the complement: MMP13 is on the minus strand). VCF-style: chr11-102944110-T-C. GRCh37 (hg19) VCF-style: chr11-102814839-T-C.
Identifiers: ClinVar variation 879276 (VCV000879276.4), dbSNP rs544003228, ClinGen allele CA6251638.